The following is an entry in ClinVar:

NM_014915.3(ANKRD26):c.2482G>A (p.Glu828Lys)

Gene: ANKRD26 (ankyrin repeat domain 26; minus strand). Cytogenetic location: 10p12.1.
Variant type: single nucleotide variant.
Coding change: c.2482G>A on transcript NM_014915.3 (MANE Select); coding-DNA position 2482, G replaced by A.
Protein change: p.Glu828Lys; replaces glutamic acid 828 with lysine.
Molecular consequence: missense variant.
Genome position (GRCh38, 1-based): chr10:27,037,948, C>T on the plus strand (G>A on the coding strand, the complement: ANKRD26 is on the minus strand). VCF-style: chr10-27037948-C-T. GRCh37 (hg19) VCF-style: chr10-27326877-C-T.
Other names: c.2479G>A, p.Glu827Lys (NM_001256053.2); short protein forms E828K, E827K.
Identifiers: ClinVar variation 4825280 (VCV004825280.1).
Genomic context (GRCh38, chr10:27,037,948, plus strand): 5'-TTACAGTCCTCAATTCCATCTCCAGTGTTTGGAGACTCAGTTCAAGCTGTTGTTTCACTT[C>T]AACTTCTTTCCTATATTGCTCTTCTTTTCTTCTTAACTGTTCCCTAATTTTTTCATACAA-3'
Protein context (NP_055730.2, residues 818-838): RKEEQYRKEV[Glu828Lys]VKQQLELSLQ

ClinVar aggregate classification (germline): Uncertain significance (1 of 4 stars; one submission).

Conditions:
Inborn genetic diseases. Identifiers: MedGen C0950123, MeSH D030342.

gnomAD v4.1: 1 of 1,613,406 alleles (0.000062%); highest among the groups gnomAD compares: Non-Finnish European, 0.000085%; no homozygotes.

Submission:

Ambry Genetics
Classification: Uncertain significance for Inborn genetic diseases. Last evaluated: 2026-01-18. Review status: criteria provided, single submitter. Criteria: Ambry Variant Classification Scheme 2023. Collection method: clinical testing. Allele origin: germline.
Comment: The p.E828K variant (also known as c.2482G>A), located in coding exon 22 of the ANKRD26 gene, results from a G to A substitution at nucleotide position 2482. The glutamic acid at codon 828 is replaced by lysine, an amino acid with similar properties. This amino acid position is conserved. In addition, this alteration is predicted to be tolerated by in silico analysis. Based on the available evidence, the clinical significance of this variant remains unclear.